The following is an entry in ClinVar:

ClinVar aggregate classification (germline): Pathogenic (1 of 4 stars; one submission).

Conditions:
Alport syndrome. Also called: Hemorrhagic familial nephritis; Hemorrhagic hereditary nephritis; Congenital hereditary hematuria. Identifiers: Orphanet 63, MedGen C1567741, MONDO:0018965.

Submission:

Myriad Genetics, Inc.
Classification: Pathogenic for Alport syndrome. Last evaluated: 2023-08-27. Review status: criteria provided, single submitter. Criteria: Myriad Autosomal Dominant, Autosomal Recessive and X-Linked Classification Criteria (2023). Collection method: clinical testing. Allele origin: unknown.
Comment: NM_000091.4(COL4A3):c.1495G>T(G499*) is expected to be pathogenic in the context of Alport syndrome, COL4A3-related. This variant is predicted to lead to an abnormal or absent protein product due to the creation of a premature termination codon in COL4A3, a gene where loss-of-function variants are known to be pathogenic. Please note: this variant was assessed in the context of healthy population screening.

NM_000091.5(COL4A3):c.1495G>T (p.Gly499Ter)

Genes: COL4A3 (collagen type IV alpha 3 chain; plus strand), MFF-DT (MFF divergent transcript; minus strand). Cytogenetic location: 2q36.3.
Variant type: single nucleotide variant.
Coding change: c.1495G>T on transcript NM_000091.5 (MANE Select); coding-DNA position 1495, G replaced by T.
Protein change: p.Gly499Ter; replaces glycine 499 with a stop codon.
Molecular consequence: nonsense.
Genome position (GRCh38, 1-based): chr2:227,267,079, G>T. VCF-style: chr2-227267079-G-T. GRCh37 (hg19) VCF-style: chr2-228131795-G-T.
Other names: short protein forms G499*.
Identifiers: ClinVar variation 5011480 (VCV005011480.1).